The following is an entry in ClinVar:

NM_000057.4(BLM):c.479T>C (p.Phe160Ser)

Gene: BLM (BLM RecQ like helicase; plus strand). Cytogenetic location: 15q26.1.
Variant type: single nucleotide variant.
Coding change: c.479T>C on transcript NM_000057.4 (MANE Select); coding-DNA position 479, T replaced by C.
Protein change: p.Phe160Ser; replaces phenylalanine 160 with serine.
Molecular consequence: missense variant. On other transcripts: 5 prime UTR variant (1).
Genome position (GRCh38, 1-based): chr15:90,749,747, T>C. VCF-style: chr15-90749747-T-C. GRCh37 (hg19) VCF-style: chr15-91292977-T-C.
Other names: c.479T>C, p.Phe160Ser (NM_001287246.2, NM_001287247.2); c.-813T>C (NM_001287248.2); short protein forms F160S.
Identifiers: ClinVar variation 1743170 (VCV001743170.6), dbSNP rs147084654, ClinGen allele CA7738299.
Genomic context (GRCh38, chr15:90,749,747, plus strand): 5'-AATTTAGTTCTTCACCAGATTCTTTAAGTACCATCAATGATTGGGATGATATGGATGACT[T>C]TGATACTTCTGAGACTTCAAAATCATTTGTTACACCACCCCAAAGTCACTTTGTAAGAGT-3'
Protein context (NP_000048.1, residues 150-170): TINDWDDMDD[Phe160Ser]DTSETSKSFV

ClinVar aggregate classification (germline): Uncertain significance. Review status: criteria provided, multiple submitters, no conflicts (2 of 4 stars). 2 submissions from 2 submitters: Uncertain significance (2). Last evaluated 2024-12-17.

Conditions:
Hereditary cancer-predisposing syndrome. Also called: Hereditary Cancer Syndrome; Neoplastic Syndromes, Hereditary; Tumor predisposition; Hereditary neoplastic syndrome. Identifiers: Orphanet 140162, MedGen C0027672, MeSH D009386, MONDO:0015356.
Bloom syndrome (BLM). Also called: Bloom-Torre-Machacek syndrome. Identifiers: Orphanet 125, MedGen C0005859, MONDO:0008876, OMIM 210900.

Allele frequency attached by ClinVar (database versions not stated): gnomAD exomes below 0.00001; ExAC 0.00001; TOPMed 0.00001; gnomAD 0.00002; 1000 Genomes Project 30x 0.00016; 1000 Genomes Project 0.00020; ESP Exome Variant Server 0.00023.

Submissions (2):

Labcorp Genetics (formerly Invitae), Labcorp
Classification: Uncertain significance for Bloom syndrome. Last evaluated: 2024-12-17. Review status: criteria provided, single submitter. Criteria: Invitae Variant Classification Sherloc (09022015). Collection method: clinical testing. Allele origin: germline.
Comment: This sequence change replaces phenylalanine, which is neutral and non-polar, with serine, which is neutral and polar, at codon 160 of the BLM protein (p.Phe160Ser). This variant is present in population databases (rs147084654, gnomAD 0.0009%). This variant has not been reported in the literature in individuals affected with BLM-related conditions. ClinVar contains an entry for this variant (Variation ID: 1743170). An algorithm developed to predict the effect of missense changes on protein structure and function (PolyPhen-2) suggests that this variant is likely to be disruptive. In summary, the available evidence is currently insufficient to determine the role of this variant in disease. Therefore, it has been classified as a Variant of Uncertain Significance.

Ambry Genetics
Classification: Uncertain significance for Hereditary cancer-predisposing syndrome. Last evaluated: 2023-12-22. Review status: criteria provided, single submitter. Criteria: Ambry Variant Classification Scheme 2023. Collection method: clinical testing. Allele origin: germline.
Comment: The p.F160S variant (also known as c.479T>C), located in coding exon 2 of the BLM gene, results from a T to C substitution at nucleotide position 479. The phenylalanine at codon 160 is replaced by serine, an amino acid with highly dissimilar properties. This amino acid position is highly conserved in available vertebrate species. In addition, the in silico prediction for this alteration is inconclusive. Since supporting evidence is limited at this time, the clinical significance of this alteration remains unclear.